The following is an entry in ClinVar:

ClinVar aggregate classification (germline): Uncertain significance. Review status: criteria provided, multiple submitters, no conflicts (2 of 4 stars). 2 submissions from 2 submitters: Uncertain significance (2). Last evaluated 2025-12-16.

Conditions:
Inborn genetic diseases. Identifiers: MedGen C0950123, MeSH D030342.

Allele frequency attached by ClinVar (database versions not stated): gnomAD 0.00001; TOPMed 0.00003.
gnomAD v4.1: 6 of 1,491,616 alleles (0.0004%); highest among the groups gnomAD compares: Admixed American, 0.0024%; no homozygotes.

Submissions (2):

Ambry Genetics
Classification: Uncertain significance for Inborn genetic diseases. Last evaluated: 2025-12-16. Review status: criteria provided, single submitter. Criteria: Ambry Variant Classification Scheme 2023. Collection method: clinical testing. Allele origin: germline.

Labcorp Genetics (formerly Invitae), Labcorp
Classification: Uncertain significance. Last evaluated: 2025-08-18. Review status: criteria provided, single submitter. Criteria: Invitae Variant Classification Sherloc (09022015). Collection method: clinical testing. Allele origin: germline.
Comment: This sequence change replaces arginine, which is basic and polar, with glutamine, which is neutral and polar, at codon 162 of the LTBP2 protein (p.Arg162Gln). This variant is not present in population databases (gnomAD no frequency). This variant has not been reported in the literature in individuals affected with LTBP2-related conditions. ClinVar contains an entry for this variant (Variation ID: 1430773). An algorithm developed to predict the effect of missense changes on protein structure and function (PolyPhen-2) suggests that this variant is likely to be disruptive. In summary, the available evidence is currently insufficient to determine the role of this variant in disease. Therefore, it has been classified as a Variant of Uncertain Significance.

NM_000428.3(LTBP2):c.485G>A (p.Arg162Gln)

Gene: LTBP2 (latent transforming growth factor beta binding protein 2; minus strand). Cytogenetic location: 14q24.3.
Variant type: single nucleotide variant.
Coding change: c.485G>A on transcript NM_000428.3 (MANE Select); coding-DNA position 485, G replaced by A.
Protein change: p.Arg162Gln; replaces arginine 162 with glutamine.
Molecular consequence: missense variant.
Genome position (GRCh38, 1-based): chr14:74,611,460, C>T on the plus strand (G>A on the coding strand, the complement: LTBP2 is on the minus strand). VCF-style: chr14-74611460-C-T. GRCh37 (hg19) VCF-style: chr14-75078163-C-T.
Other names: c.485G>A (NM_000428.2); short protein forms R162Q.
Identifiers: ClinVar variation 1430773 (VCV001430773.7), dbSNP rs2088606527, ClinGen allele CA390387375.